The following is an entry in ClinVar:

ClinVar aggregate classification (germline): Uncertain significance. Review status: criteria provided, multiple submitters, no conflicts (2 of 4 stars). 2 submissions from 2 submitters: Uncertain significance (2). Last evaluated 2025-05-20.

Conditions:
Inborn genetic diseases. Identifiers: MedGen C0950123, MeSH D030342.
Bethlem myopathy 2 (BTHLM2). Identifiers: Orphanet 536516, Orphanet 610, MedGen C4225313, MONDO:0034022, OMIM 616471.
Ullrich congenital muscular dystrophy 2 (UCMD2). Identifiers: Orphanet 75840, MedGen C4225314, MONDO:0014654, OMIM 616470.

Allele frequency attached by ClinVar (database versions not stated): gnomAD exomes below 0.00001; gnomAD 0.00001.
gnomAD v4.1: 3 of 1,613,518 alleles (0.00019%); highest among the groups gnomAD compares: South Asian, 0.0022%; no homozygotes.

Submissions (2):

Ambry Genetics
Classification: Uncertain significance for Inborn genetic diseases. Last evaluated: 2025-05-20. Review status: criteria provided, single submitter. Criteria: Ambry Variant Classification Scheme 2023. Collection method: clinical testing. Allele origin: germline.

Labcorp Genetics (formerly Invitae), Labcorp
Classification: Uncertain significance for Bethlem myopathy 2; Ullrich congenital muscular dystrophy 2. Last evaluated: 2022-09-07. Review status: criteria provided, single submitter. Criteria: Invitae Variant Classification Sherloc (09022015). Collection method: clinical testing. Allele origin: germline.
Comment: This sequence change replaces valine, which is neutral and non-polar, with methionine, which is neutral and non-polar, at codon 1226 of the COL12A1 protein (p.Val1226Met). This variant is present in population databases (no rsID available, gnomAD 0.003%). This variant has not been reported in the literature in individuals affected with COL12A1-related conditions. ClinVar contains an entry for this variant (Variation ID: 1407106). Algorithms developed to predict the effect of missense changes on protein structure and function are either unavailable or do not agree on the potential impact of this missense change (SIFT: "Deleterious"; PolyPhen-2: "Probably Damaging"; Align-GVGD: "Class C0"). In summary, the available evidence is currently insufficient to determine the role of this variant in disease. Therefore, it has been classified as a Variant of Uncertain Significance.

NM_004370.6(COL12A1):c.3676G>A (p.Val1226Met)

Gene: COL12A1 (collagen type XII alpha 1 chain; minus strand). Cytogenetic location: 6q13.
Variant type: single nucleotide variant.
Coding change: c.3676G>A on transcript NM_004370.6 (MANE Select); coding-DNA position 3676, G replaced by A.
Protein change: p.Val1226Met; replaces valine 1226 with methionine.
Molecular consequence: missense variant.
Genome position (GRCh38, 1-based): chr6:75,152,372, C>T on the plus strand (G>A on the coding strand, the complement: COL12A1 is on the minus strand). VCF-style: chr6-75152372-C-T. GRCh37 (hg19) VCF-style: chr6-75862088-C-T.
Other names: c.184G>A, p.Val62Met (NM_080645.3); c.3676G>A (NM_004370.5); short protein forms V62M, V1226M.
Identifiers: ClinVar variation 1407106 (VCV001407106.7), dbSNP rs1305647848, ClinGen allele CA364750227.